The following is an entry in ClinVar:

NM_003200.5(TCF3):c.750G>A (p.Pro250=)

Gene: TCF3 (transcription factor 3; minus strand). Cytogenetic location: 19p13.3.
Variant type: single nucleotide variant.
Coding change: c.750G>A on transcript NM_003200.5 (MANE Select); coding-DNA position 750, G replaced by A.
Protein change: p.Pro250=; no amino-acid change (proline 250 retained).
Molecular consequence: synonymous variant.
Genome position (GRCh38, 1-based): chr19:1,622,126, C>T on the plus strand (G>A on the coding strand, the complement: TCF3 is on the minus strand). VCF-style: chr19-1622126-C-T. GRCh37 (hg19) VCF-style: chr19-1622125-C-T.
Other names: c.750G>A, p.Pro250= (NM_001136139.4, NM_001351778.2, NM_001351779.2).
Identifiers: ClinVar variation 717337 (VCV000717337.30), dbSNP rs201703361, ClinGen allele CA9050244.

ClinVar aggregate classification (germline): Benign/Likely benign. Review status: criteria provided, multiple submitters, no conflicts (2 of 4 stars). 7 submissions from 7 submitters: Benign (1); Likely benign (3). 3 of the submissions do not count toward it. Last evaluated 2026-06-01.

Conditions:
TCF3-related disorder. Also called: TCF3-related condition.

Allele frequency attached by ClinVar (database versions not stated): 1000 Genomes Project 30x 0.00094; 1000 Genomes Project 0.00120; ESP Exome Variant Server 0.00151; gnomAD 0.00151 and 0.00154; TOPMed 0.00165; ExAC 0.00235.
gnomAD v4.1: 3,531 of 1,597,414 alleles (0.22%); highest among the groups gnomAD compares: Non-Finnish European, 0.28%; 2 homozygotes.

Submissions (7):

CeGaT Center for Human Genetics Tuebingen
Classification: Likely benign. Last evaluated: 2026-06-01. Review status: criteria provided, single submitter. Criteria: CeGaT Center For Human Genetics Tuebingen Variant Classification Criteria Version 2. Collection method: clinical testing. Allele origin: germline. Affected: yes. Observed: 3 variant alleles.
Comment: TCF3: BP4, BP7

Labcorp Genetics (formerly Invitae), Labcorp
Classification: Benign. Last evaluated: 2026-01-29. Review status: criteria provided, single submitter. Criteria: Invitae Variant Classification Sherloc (09022015). Collection method: clinical testing. Allele origin: germline.

Blueprint Genetics
Classification: Likely benign. Last evaluated: 2024-11-01. Review status: criteria provided, single submitter. Criteria: ACMG Guidelines, 2015. Collection method: clinical testing. Allele origin: germline.

ARUP Laboratories, Molecular Genetics and Genomics, ARUP Laboratories
Classification: Likely benign. Last evaluated: 2023-09-20. Review status: criteria provided, single submitter. Criteria: ARUP Molecular Germline Variant Investigation Process 2024. Collection method: clinical testing. Allele origin: germline.

PreventionGenetics, part of Exact Sciences
Classification: Likely benign for TCF3-related condition. Last evaluated: 2019-04-29. Review status: no assertion criteria provided. Collection method: clinical testing. Allele origin: germline. Not counted in ClinVar's aggregate classification.
Comment: This variant is classified as likely benign based on ACMG/AMP sequence variant interpretation guidelines (Richards et al. 2015 PMID: 25741868, with internal and published modifications).

Clinical Genetics DNA and cytogenetics Diagnostics Lab, Erasmus MC, Erasmus Medical Center
Classification: Likely benign. Review status: no assertion criteria provided. Collection method: clinical testing. Allele origin: germline. Affected: yes. Study: VKGL Data-share Consensus. Not counted in ClinVar's aggregate classification.

Genome Diagnostics Laboratory, University Medical Center Utrecht
Classification: Likely benign. Review status: no assertion criteria provided. Collection method: clinical testing. Allele origin: germline. Affected: yes. Study: VKGL Data-share Consensus. Not counted in ClinVar's aggregate classification.